The following is an entry in ClinVar:

NM_004172.5(SLC1A3):c.*231G>A

Genes: SLC1A3 (solute carrier family 1 member 3; plus strand), SLC1A3-AS1 (SLC1A3 antisense RNA 1; minus strand). Cytogenetic location: 5p13.2.
Variant type: single nucleotide variant.
Coding change: c.*231G>A on transcript NM_004172.5 (MANE Select); 231 bases downstream of the stop codon, G replaced by A.
Molecular consequence: 3 prime UTR variant.
Genome position (GRCh38, 1-based): chr5:36,686,500, G>A. VCF-style: chr5-36686500-G-A. GRCh37 (hg19) VCF-style: chr5-36686602-G-A.
Other names: c.*231G>A (NM_001166695.3, NM_001289939.2, NM_001289940.2).
Identifiers: ClinVar variation 353331 (VCV000353331.6), dbSNP rs180855098, ClinGen allele CA10624406.

ClinVar aggregate classification (germline): Benign. Review status: criteria provided, multiple submitters, no conflicts (2 of 4 stars). 2 submissions from 2 submitters: Benign (2). Last evaluated 2018-01-13.

Conditions:
Episodic ataxia type 6. Identifiers: Orphanet 209967, MedGen C2675211, MONDO:0012982, OMIM 612656.

Allele frequency attached by ClinVar (database versions not stated): 1000 Genomes Project 30x 0.00078; 1000 Genomes Project 0.00080; gnomAD 0.00096 and 0.00099; TOPMed 0.00101.
gnomAD v4.1: 645 of 549,054 alleles (0.12%); highest among the groups gnomAD compares: Middle Eastern, 0.2%; 1 homozygote.

Submissions (2):

Illumina Laboratory Services, Illumina
Classification: Benign for Episodic ataxia type 6. Last evaluated: 2018-01-13. Review status: criteria provided, single submitter. Criteria: ICSL Variant Classification Criteria 13 December 2019. Collection method: clinical testing. Allele origin: germline.
Comment: This variant was observed in the ICSL laboratory as part of a predisposition screen in an ostensibly healthy population. It had not been previously curated by ICSL or reported in the Human Gene Mutation Database (HGMD: prior to June 1st, 2018), and was therefore a candidate for classification through an automated scoring system. Utilizing variant allele frequency, disease prevalence and penetrance estimates, and inheritance mode, an automated score was calculated to assess if this variant is too frequent to cause the disease. Based on the score and internal cut-off values, a variant classified as benign is not then subjected to further curation. The score for this variant resulted in a classification of benign for this disease.

Breakthrough Genomics
Classification: Benign. Review status: criteria provided, single submitter. Criteria: ACMG Guidelines, 2015. Collection method: not provided. Allele origin: germline. Inheritance: Autosomal dominant inheritance. Affected: yes.